The following is an entry in ClinVar:

NM_001100.4(ACTA1):c.454+3G>T

Gene: ACTA1 (actin alpha 1, skeletal muscle; minus strand). Cytogenetic location: 1q42.13.
Variant type: single nucleotide variant.
Coding change: c.454+3G>T on transcript NM_001100.4 (MANE Select); 3 bases into the intron after coding-DNA position 454, G replaced by T.
Molecular consequence: intron variant.
Genome position (GRCh38, 1-based): chr1:229,432,553, C>A on the plus strand (G>T on the coding strand, the complement: ACTA1 is on the minus strand). VCF-style: chr1-229432553-C-A. GRCh37 (hg19) VCF-style: chr1-229568300-C-A.
Identifiers: ClinVar variation 296057 (VCV000296057.11), dbSNP rs200976037, ClinGen allele CA1442878.

ClinVar aggregate classification (germline): Uncertain significance. Review status: criteria provided, multiple submitters, no conflicts (2 of 4 stars). 4 submissions from 3 submitters: Uncertain significance (4). Last evaluated 2025-07-03.

Conditions:
Actin accumulation myopathy (CMYO2A). Also called: CONGENITAL MYOPATHY 2A, TYPICAL, AUTOSOMAL DOMINANT; Myopathy, actin, congenital, with cores; Nemaline myopathy 3, with intranuclear rods; Nemaline myopathy type 3; Myopathy, actin, congenital, with excess of thin myofilaments. Identifiers: Orphanet 98904, MedGen C3711389, MONDO:0008070, OMIM 161800.
Familial restrictive cardiomyopathy (RCM). Identifiers: Orphanet 217635, MedGen C0340429, MONDO:0016340.

Allele frequency attached by ClinVar (database versions not stated): gnomAD 0.00001; TOPMed 0.00003; ExAC 0.00004; gnomAD exomes 0.00004; ESP Exome Variant Server 0.00015; 1000 Genomes Project 30x 0.00016; 1000 Genomes Project 0.00020.
gnomAD v4.1: 51 of 1,608,204 alleles (0.0032%); highest among the groups gnomAD compares: Middle Eastern, 0.043%; no homozygotes.

Submissions (4):

Labcorp Genetics (formerly Invitae), Labcorp
Classification: Uncertain significance for Actin accumulation myopathy. Last evaluated: 2025-07-03. Review status: criteria provided, single submitter. Criteria: Invitae Variant Classification Sherloc (09022015). Collection method: clinical testing. Allele origin: germline.
Comment: This sequence change falls in intron 3 of the ACTA1 gene. It does not directly change the encoded amino acid sequence of the ACTA1 protein. It affects a nucleotide within the consensus splice site. This variant is present in population databases (rs200976037, gnomAD 0.02%). This variant has not been reported in the literature in individuals affected with ACTA1-related conditions. ClinVar contains an entry for this variant (Variation ID: 296057). Variants that disrupt the consensus splice site are a relatively common cause of aberrant splicing (PMID: 17576681, 9536098). Algorithms developed to predict the effect of sequence changes on RNA splicing suggest that this variant is not likely to affect RNA splicing. In summary, the available evidence is currently insufficient to determine the role of this variant in disease. Therefore, it has been classified as a Variant of Uncertain Significance.

Revvity Omics, Revvity
Classification: Uncertain significance. Last evaluated: 2021-09-13. Review status: criteria provided, single submitter. Criteria: ACMG Guidelines, 2015. Collection method: clinical testing. Allele origin: germline.

Illumina Laboratory Services, Illumina
Classification: Uncertain significance for Familial restrictive cardiomyopathy. Last evaluated: 2018-01-13. Review status: criteria provided, single submitter. Criteria: ICSL Variant Classification Criteria 13 December 2019. Collection method: clinical testing. Allele origin: germline.

Illumina Laboratory Services, Illumina
Classification: Uncertain significance for Actin accumulation myopathy. Last evaluated: 2018-01-13. Review status: criteria provided, single submitter. Criteria: ICSL Variant Classification Criteria 13 December 2019. Collection method: clinical testing. Allele origin: germline.

Literature cited by the submitters: PubMed 17576681 (cited by Labcorp Genetics (formerly Invitae), Labcorp); PubMed 9536098 (cited by Labcorp Genetics (formerly Invitae), Labcorp).